The following is an entry in ClinVar:

ClinVar aggregate classification (germline): Pathogenic/Likely pathogenic. Review status: criteria provided, multiple submitters, no conflicts (2 of 4 stars). 2 submissions from 2 submitters: Pathogenic (1); Likely pathogenic (1). Last evaluated 2024-08-09.

Conditions:
Joubert syndrome 18 (JBTS18). Identifiers: Orphanet 2754, MedGen C3553758, MONDO:0013896, OMIM 614815.
Orofacial-digital syndrome IV (OFD4). Also called: BARAITSER-BURN SYNDROME; OFD SYNDROME WITH TIBIAL DEFECTS; OFD SYNDROME, BARAITSER-BURN TYPE; OFDS IV; ORAL-FACIAL-DIGITAL SYNDROME, TYPE IV; Orofaciodigital syndrome IV. Identifiers: Orphanet 2753, MedGen C0406727, MONDO:0009794, OMIM 258860.
Joubert syndrome and related disorders. Identifiers: Orphanet 140874, MedGen C5679612, MONDO:0015369.

Submissions (2):

Women's Health and Genetics/Laboratory Corporation of America, LabCorp
Classification: Pathogenic for Joubert syndrome and related disorders. Last evaluated: 2024-08-09. Review status: criteria provided, single submitter. Criteria: LabCorp Variant Classification Summary - May 2015. Collection method: clinical testing. Allele origin: germline.
Comment: Variant summary: TCTN3 c.622dupT (p.Tyr208LeufsX34) results in a premature termination codon, predicted to cause absence of the protein due to nonsense mediated decay, which is a commonly known mechanism for disease. The variant was absent in 250126 control chromosomes. To our knowledge, no occurrence of c.622dupT in individuals affected with Joubert Syndrome And Related Disorders and no experimental evidence demonstrating its impact on protein function have been reported. No submitters have cited clinical-significance assessments for this variant to ClinVar. Based on the evidence outlined above, the variant was classified as pathogenic.

Fulgent Genetics
Classification: Likely pathogenic for Orofacial-digital syndrome IV; Joubert syndrome 18. Last evaluated: 2024-03-20. Review status: criteria provided, single submitter. Criteria: ACMG Guidelines, 2015. Collection method: clinical testing. Allele origin: germline.

NM_015631.6(TCTN3):c.622dup (p.Tyr208fs)

Gene: TCTN3 (tectonic family member 3; minus strand). Cytogenetic location: 10q24.1.
Variant type: Duplication.
Coding change: c.622dup on transcript NM_015631.6 (MANE Select); coding-DNA position 622, one base duplicated (T; older notation c.622dupT).
Protein change: p.Tyr208fs; shifts the reading frame from tyrosine 208.
Molecular consequence: frameshift variant. On other transcripts: intron variant (1).
Genome position (GRCh38, 1-based): chr10:95,687,597, A duplicated on the plus strand (T on the coding strand, the reverse complement: TCTN3 is on the minus strand); the first of 5 consecutive A bases (chr10:95,687,597-95,687,601); duplicating any one gives the same sequence. VCF-style (leftmost placement, unchanged base first): chr10-95687596-T-TA. GRCh37 (hg19) VCF-style: chr10-97447353-T-TA.
Other names: c.622dup, p.Tyr208fs (NM_001410982.1); c.500-438dup (NM_001143973.2); c.622dupT (NM_015631.6); short protein forms Y208fs.
Identifiers: ClinVar variation 3366344 (VCV003366344.2).
Genomic context (GRCh38, chr10:95,687,596, plus strand): 5'-TCTGCTGTGAGAGTAAAAACTAAACCAAACAATCCCATCCCCTTCCCCAGGCTCACCCTG[T>TA]AAAAAGATGGTGGTGATTGAGTTTGGAATGTTGAAGTGAATGATTCGCCTCCAAACTCTG-3'